The following is an entry in ClinVar:

NM_007294.4(BRCA1):c.521A>C (p.Gln174Pro)

Gene: BRCA1 (BRCA1 DNA repair associated; minus strand). Cytogenetic location: 17q21.31.
Variant type: single nucleotide variant.
Coding change: c.521A>C on transcript NM_007294.4 (MANE Select); coding-DNA position 521, A replaced by C.
Protein change: p.Gln174Pro; replaces glutamine 174 with proline.
Molecular consequence: missense variant. On other transcripts: non-coding transcript variant (1).
Genome position (GRCh38, 1-based): chr17:43,099,801, T>G on the plus strand (A>C on the coding strand, the complement: BRCA1 is on the minus strand). VCF-style: chr17-43099801-T-G. GRCh37 (hg19) VCF-style: chr17-41251818-T-G.
Other names: c.308A>C, p.Gln103Pro (NM_001407571.1, NM_001407853.1, NM_001407894.1 and 18 more transcripts); c.521A>C, p.Gln174Pro (NM_001407581.1, NM_001407582.1, NM_001407583.1 and 97 more transcripts); c.518A>C, p.Gln173Pro (NM_001407587.1, NM_001407590.1, NM_001407591.1 and 65 more transcripts); c.512A>C, p.Gln171Pro (NM_001407646.1, NM_001407647.1, NM_001408408.1); c.443A>C, p.Gln148Pro (NM_001407653.1, NM_001407654.1, NM_001407655.1 and 12 more transcripts); c.440A>C, p.Gln147Pro (NM_001407659.1, NM_001407660.1, NM_001407661.1 and 6 more transcripts); c.380A>C, p.Gln127Pro (NM_001407692.1, NM_001407694.1, NM_001407695.1 and 61 more transcripts); c.377A>C, p.Gln126Pro (NM_001407740.1, NM_001407741.1, NM_001407742.1 and 35 more transcripts); and 4 more; short protein forms Q174P, Q127P, Q173P, Q148P, Q171P, Q47P, Q103P, Q104P.
Identifiers: ClinVar variation 584955 (VCV000584955.16), dbSNP rs1567806035, ClinGen allele CA10601101.

ClinVar aggregate classification (germline): Conflicting classifications of pathogenicity. Review status: criteria provided, conflicting classifications (1 of 4 stars). 4 submissions from 4 submitters: Uncertain significance (3); Likely benign (1). Last evaluated 2026-08-20.

Conditions:
Hereditary cancer-predisposing syndrome. Also called: Tumor predisposition; Neoplastic Syndromes, Hereditary; Hereditary neoplastic syndrome; Hereditary Cancer Syndrome. Identifiers: Orphanet 140162, MedGen C0027672, MeSH D009386, MONDO:0015356.
Hereditary breast ovarian cancer syndrome. Also called: Breast and ovarian cancer; BRCA1- and BRCA2-Associated Hereditary Breast and Ovarian Cancer; Hereditary breast and ovarian cancer; Hereditary breast and ovarian cancer syndrome (HBOC); Hereditary breast and/or ovarian cancer syndrome; Hereditary breast and ovarian cancer syndrome. Identifiers: Orphanet 145, MedGen C0677776, MeSH D061325, MONDO:0003582. Disease mechanism: loss of function.

Submissions (4):

German Consortium for Hereditary Breast and Ovarian Cancer, University Hospital Cologne
Classification: Likely benign for Hereditary breast ovarian cancer syndrome. Last evaluated: 2026-08-20. Review status: criteria provided, single submitter. Criteria: ClinGen BRCA1 1.2.0. Collection method: curation. Allele origin: germline.
Comment: This classification follows the ClinGen ENIGMA BRCA1 v1.2.0 classification scheme; We chose these criteria: PM2 (supporting pathogenic): Absent from controls in an outbred population, from gnomAD v2.1 (non-cancer, exome only subset) and gnomAD v3.1 (non-cancer)., BP1 (strong benign): variants outside a (potentially) clinically important functional domain AND no splicing predicted (SpliceAI ≤0.1)

Ambry Genetics
Classification: Uncertain significance for Hereditary cancer-predisposing syndrome. Last evaluated: 2025-05-09. Review status: criteria provided, single submitter. Criteria: Ambry Variant Classification Scheme 2023. Collection method: clinical testing. Allele origin: germline.
Comment: The p.Q174P variant (also known as c.521A>C), located in coding exon 6 of the BRCA1 gene, results from an A to C substitution at nucleotide position 521. The glutamine at codon 174 is replaced by proline, an amino acid with similar properties. This amino acid position is well conserved in available vertebrate species. In addition, this alteration is predicted to be deleterious by in silico analysis. Since supporting evidence is limited at this time, the clinical significance of this alteration remains unclear.

Labcorp Genetics (formerly Invitae), Labcorp
Classification: Uncertain significance for Hereditary breast ovarian cancer syndrome. Last evaluated: 2022-04-28. Review status: criteria provided, single submitter. Criteria: Invitae Variant Classification Sherloc (09022015). Collection method: clinical testing. Allele origin: germline.
Comment: In summary, the available evidence is currently insufficient to determine the role of this variant in disease. Therefore, it has been classified as a Variant of Uncertain Significance. Advanced modeling of protein sequence and biophysical properties (such as structural, functional, and spatial information, amino acid conservation, physicochemical variation, residue mobility, and thermodynamic stability) performed at Invitae indicates that this missense variant is not expected to disrupt BRCA1 protein function. ClinVar contains an entry for this variant (Variation ID: 584955). This variant has not been reported in the literature in individuals affected with BRCA1-related conditions. This variant is not present in population databases (gnomAD no frequency). This sequence change replaces glutamine, which is neutral and polar, with proline, which is neutral and non-polar, at codon 174 of the BRCA1 protein (p.Gln174Pro).

Mendelics
Classification: Uncertain significance for Hereditary breast and ovarian cancer syndrome. Last evaluated: 2018-07-02. Review status: criteria provided, single submitter. Criteria: Mendelics Assertion Criteria 2017. Collection method: clinical testing. Allele origin: unknown.